The following is an entry in ClinVar:

ClinVar aggregate classification (germline): Uncertain significance (1 of 4 stars; one submission).

Allele frequency attached by ClinVar (database versions not stated): gnomAD exomes 0.00001.
gnomAD v4.1: 8 of 1,203,564 alleles (0.00066%); highest among the groups gnomAD compares: Non-Finnish European, 0.00079%; no homozygotes.

Submission:

Labcorp Genetics (formerly Invitae), Labcorp
Classification: Uncertain significance. Last evaluated: 2021-04-24. Review status: criteria provided, single submitter. Criteria: Invitae Variant Classification Sherloc (09022015). Collection method: clinical testing. Allele origin: germline.
Comment: This sequence change replaces glycine with arginine at codon 1861 of the CACNA1F protein (p.Gly1861Arg). The glycine residue is moderately conserved and there is a moderate physicochemical difference between glycine and arginine. This variant is not present in population databases (ExAC no frequency). This variant has not been reported in the literature in individuals with CACNA1F-related conditions. Algorithms developed to predict the effect of missense changes on protein structure and function output the following: SIFT: "Deleterious"; PolyPhen-2: "Benign"; Align-GVGD: "Class C0". The arginine amino acid residue is found in multiple mammalian species, suggesting that this missense change does not adversely affect protein function. These predictions have not been confirmed by published functional studies and their clinical significance is uncertain. In summary, the available evidence is currently insufficient to determine the role of this variant in disease. Therefore, it has been classified as a Variant of Uncertain Significance.

NM_001256789.3(CACNA1F):c.5548G>A (p.Gly1850Arg)

Gene: CACNA1F (calcium voltage-gated channel subunit alpha1 F; minus strand). Cytogenetic location: Xp11.23.
Variant type: single nucleotide variant.
Coding change: c.5548G>A on transcript NM_001256789.3 (MANE Select); coding-DNA position 5548, G replaced by A.
Protein change: p.Gly1850Arg; replaces glycine 1850 with arginine.
Molecular consequence: missense variant.
Genome position (GRCh38, 1-based): chrX:49,205,738, C>T on the plus strand (G>A on the coding strand, the complement: CACNA1F is on the minus strand). VCF-style: chrX-49205738-C-T. GRCh37 (hg19) VCF-style: chrX-49062198-C-T.
Other names: c.5386G>A, p.Gly1796Arg (NM_001256790.3); c.5581G>A, p.Gly1861Arg (NM_005183.4); short protein forms G1796R, G1850R, G1861R.
Identifiers: ClinVar variation 1025356 (VCV001025356.8), dbSNP rs1557104723, ClinGen allele CA412957241.
Genomic context (GRCh38, chrX:49,205,738, plus strand): 5'-GCACGTGCAGACAGGTGAAGGTGCGCAGTGGGCCACTGGATCTGCCGAGGTACCCCTCCC[C>T]CGCTGCGCCCTCTTCCACCAACAACAGCGGGGCATACAGGAGCCGACCCCGCTGAGGTGG-3'
Protein context (NP_001243718.1, residues 1840-1860): PLLLVEEGAA[Gly1850Arg]EGYLGRSSGP